The following is an entry in ClinVar:

ClinVar aggregate classification (germline): Uncertain significance (1 of 4 stars; one submission).

gnomAD v4.1: 129 of 1,613,218 alleles (0.008%); highest among the groups gnomAD compares: South Asian, 0.13%; 1 homozygote.

Submission:

GeneDx
Classification: Uncertain significance. Last evaluated: 2024-12-17. Review status: criteria provided, single submitter. Criteria: GeneDx Variant Classification Process June 2021. Collection method: clinical testing. Allele origin: germline.
Comment: In silico analysis supports that this missense variant has a deleterious effect on protein structure/function; Has not been previously published as pathogenic or benign to our knowledge

NM_001080414.4(CCDC88C):c.4411C>T (p.Arg1471Cys)

Gene: CCDC88C (coiled-coil and HOOK domain protein 88C; minus strand). Cytogenetic location: 14q32.11.
Variant type: single nucleotide variant.
Coding change: c.4411C>T on transcript NM_001080414.4 (MANE Select); coding-DNA position 4411, C replaced by T.
Protein change: p.Arg1471Cys; replaces arginine 1471 with cysteine.
Molecular consequence: missense variant. On other transcripts: non-coding transcript variant (2).
Genome position (GRCh38, 1-based): chr14:91,289,135, G>A on the plus strand (C>T on the coding strand, the complement: CCDC88C is on the minus strand). VCF-style: chr14-91289135-G-A. GRCh37 (hg19) VCF-style: chr14-91755479-G-A.
Other names: short protein forms R1471C.
Identifiers: ClinVar variation 3343654 (VCV003343654.2).